The following is an entry in ClinVar:

NM_032447.5(FBN3):c.5558G>A (p.Arg1853Gln)

Gene: FBN3 (fibrillin 3; minus strand). Cytogenetic location: 19p13.2.
Variant type: single nucleotide variant.
Coding change: c.5558G>A on transcript NM_032447.5 (MANE Select); coding-DNA position 5558, G replaced by A.
Protein change: p.Arg1853Gln; replaces arginine 1853 with glutamine.
Molecular consequence: missense variant.
Genome position (GRCh38, 1-based): chr19:8,096,062, C>T on the plus strand (G>A on the coding strand, the complement: FBN3 is on the minus strand). VCF-style: chr19-8096062-C-T. GRCh37 (hg19) VCF-style: chr19-8160946-C-T.
Other names: c.5558G>A, p.Arg1853Gln (NM_001321431.2); short protein forms R1853Q.
Identifiers: ClinVar variation 2892308 (VCV002892308.3), dbSNP rs770720896, ClinGen allele CA9151607.

ClinVar aggregate classification (germline): Uncertain significance (1 of 4 stars; one submission).

Allele frequency attached by ClinVar (database versions not stated): gnomAD 0.00008; TOPMed 0.00009.
gnomAD v4.1: 86 of 1,613,568 alleles (0.0053%); highest among the groups gnomAD compares: East Asian, 0.11%; no homozygotes.

Submission:

Labcorp Genetics (formerly Invitae), Labcorp
Classification: Uncertain significance. Last evaluated: 2023-09-18. Review status: criteria provided, single submitter. Criteria: Invitae Variant Classification Sherloc (09022015). Collection method: clinical testing. Allele origin: germline.
Comment: In summary, the available evidence is currently insufficient to determine the role of this variant in disease. Therefore, it has been classified as a Variant of Uncertain Significance. Advanced modeling of protein sequence and biophysical properties (such as structural, functional, and spatial information, amino acid conservation, physicochemical variation, residue mobility, and thermodynamic stability) performed at Invitae indicates that this missense variant is not expected to disrupt FBN3 protein function. This variant has not been reported in the literature in individuals affected with FBN3-related conditions. This variant is present in population databases (rs770720896, gnomAD 0.06%), and has an allele count higher than expected for a pathogenic variant. This sequence change replaces arginine, which is basic and polar, with glutamine, which is neutral and polar, at codon 1853 of the FBN3 protein (p.Arg1853Gln).